The following is an entry in ClinVar:

ClinVar aggregate classification (germline): Likely benign. Review status: criteria provided, multiple submitters, no conflicts (2 of 4 stars). 2 submissions from 2 submitters: Likely benign (2). Last evaluated 2024-12-26.

Conditions:
Tatton-Brown-Rahman overgrowth syndrome. Also called: Tatton-Brown-Rahman syndrome; Tall stature-intellectual disability-facial dysmorphism syndrome. Identifiers: Orphanet 404443, MedGen C4014545, MONDO:0014382, OMIM 615879.
DNMT3A-related disorder. Also called: DNMT3A-related condition; DNMT3A-related disorders.

Submissions (2):

PreventionGenetics, part of Exact Sciences
Classification: Likely benign for DNMT3A-related condition. Last evaluated: 2024-12-26. Review status: criteria provided, single submitter. Criteria: ACMG Guidelines, 2015. Collection method: clinical testing. Allele origin: germline.
Comment: This variant is classified as likely benign based on ACMG/AMP sequence variant interpretation guidelines (Richards et al. 2015 PMID: 25741868, with internal and published modifications).

Labcorp Genetics (formerly Invitae), Labcorp
Classification: Likely benign for Tatton-Brown-Rahman overgrowth syndrome. Last evaluated: 2024-10-31. Review status: criteria provided, single submitter. Criteria: Invitae Variant Classification Sherloc (09022015). Collection method: clinical testing. Allele origin: germline.

NM_022552.5(DNMT3A):c.1015-6C>T

Gene: DNMT3A (DNA methyltransferase 3 alpha; minus strand). Cytogenetic location: 2p23.3.
Variant type: single nucleotide variant.
Coding change: c.1015-6C>T on transcript NM_022552.5 (MANE Select); 6 bases into the intron before coding-DNA position 1015, C replaced by T.
Molecular consequence: intron variant.
Genome position (GRCh38, 1-based): chr2:25,247,164, G>A on the plus strand (C>T on the coding strand, the complement: DNMT3A is on the minus strand). VCF-style: chr2-25247164-G-A. GRCh37 (hg19) VCF-style: chr2-25470033-G-A.
Other names: c.1015-6C>T (NM_175629.2); c.448-6C>T (NM_153759.3); c.559-6C>T (NM_001320893.1); c.346-6C>T (NM_001375819.1).
Identifiers: ClinVar variation 3705061 (VCV003705061.3).
Genomic context (GRCh38, chr2:25,247,164, plus strand): 5'-CCTGGTGGAACGCACTGCAAAACGAGCTCAGCGGCATCAGCTTCTCAACACACACCTGGG[G>A]GGACAAGCCAGGCCTTGTTTGCCGAGGCTTACACTTGCAAGCACCCACCCCATGCCTTGC-3'